The following is an entry in ClinVar:

ClinVar aggregate classification (germline): Pathogenic (1 of 4 stars; one submission).

Conditions:
Breast-ovarian cancer, familial, susceptibility to, 2 (BROVCA2). Also called: BRCA2 Hereditary Breast and Ovarian Cancer. Identifiers: Orphanet 145, MedGen C2675520, MONDO:0012933, OMIM 612555. Disease mechanism: loss of function.

Submission:

Myriad Genetics, Inc.
Classification: Pathogenic for Breast-ovarian cancer, familial, susceptibility to, 2. Last evaluated: 2024-12-06. Review status: criteria provided, single submitter. Criteria: Myriad Autosomal Dominant, Autosomal Recessive and X-Linked Classification Criteria (2023). Collection method: clinical testing. Allele origin: unknown.
Comment: This variant is considered pathogenic. This variant creates a frameshift predicted to result in premature protein truncation.

NM_000059.4(BRCA2):c.6550_6551del (p.Gln2184fs)

Gene: BRCA2 (BRCA2 DNA repair associated; plus strand). Cytogenetic location: 13q13.1.
Variant type: Deletion.
Coding change: c.6550_6551del on transcript NM_000059.4 (MANE Select); coding-DNA positions 6550 to 6551, 2 bases deleted (CA; older notation c.6550_6551delCA).
Protein change: p.Gln2184fs; shifts the reading frame from glutamine 2184.
Molecular consequence: frameshift variant. On other transcripts: non-coding transcript variant (1), intron variant (2).
Genome position (GRCh38, 1-based): chr13:32,340,905-32,340,906, CA deleted; deleting any 2 consecutive bases within chr13:32,340,904-32,340,906 gives the same sequence; the c. name uses the placement nearest the transcript's 3' end. VCF-style (leftmost placement, unchanged base first): chr13-32340903-AAC-A. GRCh37 (hg19) VCF-style: chr13-32915040-AAC-A.
Other names: c.6550_6551del, p.Gln2184fs (NM_001432077.1, NM_001406719.1, NM_001406720.1); c.425-3653_425-3652del (NM_001406722.1); c.1910-3653_1910-3652del (NM_001406721.1); short protein forms Q2184fs.
Identifiers: ClinVar variation 3773540 (VCV003773540.1).
Genomic context (GRCh38, chr13:32,340,903, plus strand): 5'-AACAGTTGGTATTAGGAACCAAAGTGTCACTTGTTGAGAACATTCATGTTTTGGGAAAAG[AAC>A]AGGCTTCACCTAAAAACGTAAAAATGGAAATTGGTAAAACTGAAACTTTTTCTGATGTTC-3'